The following is an entry in ClinVar:

ClinVar aggregate classification (germline): Uncertain significance (1 of 4 stars; one submission).

Submission:

Labcorp Genetics (formerly Invitae), Labcorp
Classification: Uncertain significance. Last evaluated: 2021-08-20. Review status: criteria provided, single submitter. Criteria: Invitae Variant Classification Sherloc (09022015). Collection method: clinical testing. Allele origin: germline.
Comment: This variant has not been reported in the literature in individuals affected with PCLO-related conditions. This variant is not present in population databases (ExAC no frequency). This sequence change replaces phenylalanine with leucine at codon 4255 of the PCLO protein (p.Phe4255Leu). The phenylalanine residue is moderately conserved and there is a small physicochemical difference between phenylalanine and leucine. Algorithms developed to predict the effect of missense changes on protein structure and function are either unavailable or do not agree on the potential impact of this missense change (SIFT: "Deleterious"; PolyPhen-2: "Not Available"; Align-GVGD: "Class C0"). In summary, the available evidence is currently insufficient to determine the role of this variant in disease. Therefore, it has been classified as a Variant of Uncertain Significance.

NM_033026.6(PCLO):c.12765T>A (p.Phe4255Leu)

Gene: PCLO (piccolo presynaptic cytomatrix protein; minus strand). Cytogenetic location: 7q21.11.
Variant type: single nucleotide variant.
Coding change: c.12765T>A on transcript NM_033026.6 (MANE Select); coding-DNA position 12765, T replaced by A.
Protein change: p.Phe4255Leu; replaces phenylalanine 4255 with leucine.
Molecular consequence: missense variant.
Genome position (GRCh38, 1-based): chr7:82,915,221, A>T on the plus strand (T>A on the coding strand, the complement: PCLO is on the minus strand). VCF-style: chr7-82915221-A-T. GRCh37 (hg19) VCF-style: chr7-82544537-A-T.
Other names: c.12765T>A, p.Phe4255Leu (NM_014510.3); short protein forms F4255L.
Identifiers: ClinVar variation 1499982 (VCV001499982.6), dbSNP rs2116262455, ClinGen allele CA367886161.